The following is an entry in ClinVar:

ClinVar aggregate classification (germline): Pathogenic/Likely pathogenic. Review status: criteria provided, multiple submitters, no conflicts (2 of 4 stars). 2 submissions from 2 submitters: Pathogenic (1); Likely pathogenic (1). Last evaluated 2024-05-22.

Conditions:
Meckel syndrome, type 5 (MKS5). Identifiers: Orphanet 564, MedGen C1969052, MONDO:0012695, OMIM 611561.
Joubert syndrome 7 (JBTS7). Identifiers: Orphanet 220497, MedGen C1969053, MONDO:0012694, OMIM 611560.
COACH syndrome 3. Identifiers: MedGen C5436841, MONDO:0030862, OMIM 619113.
Joubert syndrome. Also called: CEREBELLOPARENCHYMAL DISORDER IV; JOUBERT-BOLTSHAUSER SYNDROME; Familial aplasia of the vermis. Identifiers: Orphanet 475, MedGen C5979921, MONDO:0018772.
Meckel-Gruber syndrome. Also called: DYSENCEPHALIA SPLANCHNOCYSTICA; GRUBER SYNDROME; Dysencephalia splachnocystica. Identifiers: Orphanet 564, MedGen C0265215, MONDO:0018921.

Submissions (2):

Fulgent Genetics
Classification: Likely pathogenic for Joubert syndrome 7; Meckel syndrome, type 5; COACH syndrome 3. Last evaluated: 2024-05-22. Review status: criteria provided, single submitter. Criteria: ACMG Guidelines, 2015. Collection method: clinical testing. Allele origin: germline.

Labcorp Genetics (formerly Invitae), Labcorp
Classification: Pathogenic for Joubert syndrome; Meckel-Gruber syndrome. Last evaluated: 2023-06-04. Review status: criteria provided, single submitter. Criteria: Invitae Variant Classification Sherloc (09022015). Collection method: clinical testing. Allele origin: germline.
Comment: Algorithms developed to predict the effect of sequence changes on RNA splicing suggest that this variant may disrupt the consensus splice site. For these reasons, this variant has been classified as Pathogenic. This variant has not been reported in the literature in individuals affected with RPGRIP1L-related conditions. This variant is not present in population databases (gnomAD no frequency). This sequence change creates a premature translational stop signal (p.Gln1144*) in the RPGRIP1L gene. It is expected to result in an absent or disrupted protein product. Loss-of-function variants in RPGRIP1L are known to be pathogenic (PMID: 17558409).

Literature cited by the submitters: PubMed 17558409 (cited by Labcorp Genetics (formerly Invitae), Labcorp).

NM_015272.5(RPGRIP1L):c.3430C>T (p.Gln1144Ter)

Gene: RPGRIP1L (RPGRIP1 like; minus strand). Cytogenetic location: 16q12.2.
Variant type: single nucleotide variant.
Coding change: c.3430C>T on transcript NM_015272.5 (MANE Select); coding-DNA position 3430, C replaced by T.
Protein change: p.Gln1144Ter; replaces glutamine 1144 with a stop codon.
Molecular consequence: nonsense. On other transcripts: intron variant (2).
Genome position (GRCh38, 1-based): chr16:53,622,221, G>A on the plus strand (C>T on the coding strand, the complement: RPGRIP1L is on the minus strand). VCF-style: chr16-53622221-G-A. GRCh37 (hg19) VCF-style: chr16-53656133-G-A.
Other names: c.3328C>T, p.Gln1110Ter (NM_001330538.2); c.3193-3013C>T (NM_001127897.4); c.3295-3013C>T (NM_001308334.3); short protein forms Q1144*, Q1110*.
Identifiers: ClinVar variation 2948517 (VCV002948517.4), dbSNP rs1050777749, ClinGen allele CA395923935.